The following is an entry in ClinVar:

NM_021930.6(RINT1):c.985G>A (p.Val329Met)

Gene: RINT1 (RAD50 interactor 1; plus strand). Cytogenetic location: 7q22.3.
Variant type: single nucleotide variant.
Coding change: c.985G>A on transcript NM_021930.6 (MANE Select); coding-DNA position 985, G replaced by A.
Protein change: p.Val329Met; replaces valine 329 with methionine.
Molecular consequence: missense variant. On other transcripts: 5 prime UTR variant (1), non-coding transcript variant (1), intron variant (1).
Genome position (GRCh38, 1-based): chr7:105,548,699, G>A. VCF-style: chr7-105548699-G-A. GRCh37 (hg19) VCF-style: chr7-105189146-G-A.
Other names: c.751G>A, p.Val251Met (NM_001346599.2); c.-35G>A (NM_001346600.2); c.61G>A, p.Val21Met (NM_001346601.2); c.-27-1356G>A (NM_001346603.2); short protein forms V251M, V21M, V329M.
Identifiers: ClinVar variation 648283 (VCV000648283.11), dbSNP rs1213803824, ClinGen allele CA368808128.

ClinVar aggregate classification (germline): Uncertain significance. Review status: criteria provided, multiple submitters, no conflicts (2 of 4 stars). 2 submissions from 2 submitters: Uncertain significance (2). Last evaluated 2023-12-01.

Allele frequency attached by ClinVar (database versions not stated): gnomAD exomes below 0.00001.
gnomAD v4.1: 3 of 1,610,388 alleles (0.00019%); highest among the groups gnomAD compares: African/African-American, 0.0013%; no homozygotes.

Submissions (2):

Ambry Genetics
Classification: Uncertain significance. Last evaluated: 2023-12-01. Review status: criteria provided, single submitter. Criteria: Ambry Variant Classification Scheme 2023. Collection method: clinical testing. Allele origin: germline.
Comment: The p.V329M variant (also known as c.985G>A), located in coding exon 7 of the RINT1 gene, results from a G to A substitution at nucleotide position 985. The valine at codon 329 is replaced by methionine, an amino acid with highly similar properties. This amino acid position is conserved. In addition, this alteration is predicted to be tolerated by in silico analysis. The evidence for this gene-disease relationship is limited; therefore, the clinical significance of this alteration is unclear.

Labcorp Genetics (formerly Invitae), Labcorp
Classification: Uncertain significance. Last evaluated: 2018-11-30. Review status: criteria provided, single submitter. Criteria: Invitae Variant Classification Sherloc (09022015). Collection method: clinical testing. Allele origin: germline.
Comment: This sequence change replaces valine with methionine at codon 329 of the RINT1 protein (p.Val329Met). The valine residue is moderately conserved and there is a small physicochemical difference between valine and methionine. In summary, the available evidence is currently insufficient to determine the role of this variant in disease. Therefore, it has been classified as a Variant of Uncertain Significance. Algorithms developed to predict the effect of missense changes on protein structure and function (SIFT, PolyPhen-2, Align-GVGD) all suggest that this variant is likely to be tolerated, but these predictions have not been confirmed by published functional studies and their clinical significance is uncertain. This variant has not been reported in the literature in individuals with RINT1-related conditions. This variant is not present in population databases (ExAC no frequency).